The following is an entry in ClinVar:

ClinVar aggregate classification (germline): Conflicting classifications of pathogenicity. Review status: criteria provided, conflicting classifications (1 of 4 stars). 5 submissions from 5 submitters: Likely pathogenic (2); Uncertain significance (1). 2 of the submissions do not count toward it. Last evaluated 2026-03-07.

Conditions:
Combined oxidative phosphorylation deficiency 59 (COXPD59). Identifiers: MedGen C5882730, MONDO:0957992, OMIM 620646.
Mitochondrial disease. Also called: Mitochondrial disorders; Mitochondrial disorder. Identifiers: Orphanet 68380, MedGen C0751651, MeSH D028361, MONDO:0044970.
Leigh syndrome (NULS). Also called: LEIGH SYNDROME, NUCLEAR; Leigh's necrotizing encephalopathy; Leigh's disease; Leigh Syndrome (mtDNA deletion); Leigh's syndrome; Leigh Disease. Identifiers: Orphanet 506, MedGen C2931891, MONDO:0009723, OMIM 256000.

Submissions (5):

GeneDx
Classification: Likely pathogenic. Last evaluated: 2026-03-07. Review status: criteria provided, single submitter. Criteria: GeneDx Variant Classification Process June 2021. Collection method: clinical testing. Allele origin: germline.
Comment: RNA studies demonstrate a damaging effect: altered splicing resulting in nonsense-mediated mRNA decay and low RNA expression (PMID: 37133451); Frameshift variant predicted to result in protein truncation or nonsense mediated decay in a gene or region of a gene for which loss of function is not a well-established mechanism of disease; This variant is associated with the following publications: (PMID: 37133451, 39417332)

Illumina Laboratory Services, Illumina
Classification: Uncertain significance for Mitochondrial disease. Last evaluated: 2024-05-10. Review status: criteria provided, single submitter. Criteria: ISL SNV Classification Criteria 03 February 2026. Collection method: clinical testing. Allele origin: unknown.
Comment: The MRPL39 c.526del p.(Ser176LeufsTer8) variant causes a shift in the protein reading frame that is predicted to result in premature termination of the protein. Loss of normal protein function through either protein truncation or nonsense-mediated mRNA decay is expected. This variant has been identified in an individual with a phenotype consistent with primary mitochondrial disease (PMID: 37133451). This variant has been shown to segregate with disease in this family. The highest frequency of this allele in the Genome Aggregation Database is 0.0003485 in the European (non-Finnish) population (version 4.1.0). Based on the available evidence, the c.526del p.(Ser176LeufsTer8) variant is classified as a variant of uncertain significance for primary mitochondrial disease.

Victorian Clinical Genetics Services, Murdoch Childrens Research Institute
Classification: Likely pathogenic for Leigh syndrome. Last evaluated: 2022-06-24. Review status: criteria provided, single submitter. Criteria: ACMG Guidelines, 2015. Collection method: clinical testing. Allele origin: germline. Inheritance: Autosomal recessive inheritance.
Comment: Based on the classification scheme VCGS_Germline_v1.3.4, this variant is classified as Likely Pathogenic. Following criteria are met: 0102 - Loss of function is a suggested mechanism of disease in this gene and is associated with lethal infantile mitochondrial disease. (I) 0106 - This gene is associated with autosomal recessive disease. (I) 0201 - Variant is predicted to cause nonsense-mediated decay (NMD) and loss of protein (premature termination codon is located at least 54 nucleotides upstream of the final exon-exon junction). (SP) 0251 - This variant is heterozygous. (I) 0304 - Variant is present in gnomAD <0.01 for a recessive condition (v2: 30 heterozygotes, 0 homozygotes). (SP) 0402 - Variant is located in a gene associated with a severe early-onset recessive condition that is intolerant to bi-allelic loss of function variants (gnomAD). (SP) 0703 - Other NMD-predicted variants comparable to the one identified in this case have moderate previous evidence for pathogenicity. (SP) 0807 - This variant has no previous evidence of pathogenicity. (I) 0905 - No published segregation evidence has been identified for this variant. (I) 1001 - This variant has strong functional evidence supporting abnormal protein function. Western blots on patient fibroblasts showed destabilisation of the mitoribosome and defective translation of the OXPHOS complexes. (I) Legend: (SP) - Supporting pathogenic, (I) - Information, (SB) - Supporting benign

OMIM
Classification: Pathogenic for COMBINED OXIDATIVE PHOSPHORYLATION DEFICIENCY 59. Last evaluated: 2023-12-04. Review status: no assertion criteria provided. Collection method: literature only. Allele origin: germline. Not counted in ClinVar's aggregate classification.

Mitochondrial Research Group, Murdoch Children's Research Institute
Classification: Pathogenic for Leigh syndrome. Last evaluated: 2022-04-03. Review status: no assertion criteria provided. Collection method: research. Allele origin: inherited, not applicable. Inheritance: Autosomal recessive inheritance. Affected: yes. Observed: 2 variant alleles. Not counted in ClinVar's aggregate classification.

Literature cited by the submitters: PubMed 37133451 (cited by Illumina Laboratory Services, Illumina and OMIM).

NM_017446.4(MRPL39):c.526del (p.Ser176fs)

Gene: MRPL39 (mitochondrial ribosomal protein L39; minus strand). Cytogenetic location: 21q21.3.
Variant type: Deletion.
Coding change: c.526del on transcript NM_017446.4 (MANE Select); coding-DNA position 526, one base deleted (T; older notation c.526delT).
Protein change: p.Ser176fs; shifts the reading frame from serine 176.
Molecular consequence: frameshift variant.
Genome position (GRCh38, 1-based): chr21:25,599,861, A deleted on the plus strand (T on the coding strand, the reverse complement: MRPL39 is on the minus strand); the first of 3 consecutive A bases (chr21:25,599,861-25,599,863); deleting any one gives the same sequence. VCF-style (leftmost placement, unchanged base first): chr21-25599860-GA-G. GRCh37 (hg19) VCF-style: chr21-26972172-GA-G.
Other names: c.526del, p.Ser176fs (NM_080794.4); c.526delT (NM_017446.4); c.526del (NM_080794.3); short protein forms S176fs.
Identifiers: ClinVar variation 1676673 (VCV001676673.5), dbSNP rs746607851, ClinGen allele CA9985969.